The following is an entry in ClinVar:

NM_182641.4(BPTF):c.257G>T (p.Ser86Ile)

Gene: BPTF (bromodomain PHD finger transcription factor; plus strand). Cytogenetic location: 17q24.2.
Variant type: single nucleotide variant.
Coding change: c.257G>T on transcript NM_182641.4 (MANE Select); coding-DNA position 257, G replaced by T.
Protein change: p.Ser86Ile; replaces serine 86 with isoleucine.
Molecular consequence: missense variant.
Genome position (GRCh38, 1-based): chr17:67,825,981, G>T. VCF-style: chr17-67825981-G-T. GRCh37 (hg19) VCF-style: chr17-65822097-G-T.
Other names: c.257G>T, p.Ser86Ile (NM_004459.7); short protein forms S86I.
Identifiers: ClinVar variation 2062825 (VCV002062825.4), dbSNP rs2509385005, ClinGen allele CA400715585.
Genomic context (GRCh38, chr17:67,825,981, plus strand): 5'-CGCCCAGGGGGGGCAGCAGTAGCCGGAGGAAGCCGCCGCCGCCGCCGCCGGCCCCCCCCA[G>T]CACCAGCGCCCCGGGCCGGGGGGGGCGAGGAGGCGGGGGCGGCAGGACGGGGGGCGGGGG-3'
Protein context (NP_872579.2, residues 76-96): KPPPPPPAPP[Ser86Ile]TSAPGRGGRG

ClinVar aggregate classification (germline): Uncertain significance (1 of 4 stars; one submission).

Submission:

Labcorp Genetics (formerly Invitae), Labcorp
Classification: Uncertain significance. Last evaluated: 2022-07-23. Review status: criteria provided, single submitter. Criteria: Invitae Variant Classification Sherloc (09022015). Collection method: clinical testing. Allele origin: germline.
Comment: In summary, the available evidence is currently insufficient to determine the role of this variant in disease. Therefore, it has been classified as a Variant of Uncertain Significance. Algorithms developed to predict the effect of missense changes on protein structure and function are either unavailable or do not agree on the potential impact of this missense change (SIFT: "Deleterious"; PolyPhen-2: "Not Available"; Align-GVGD: "Class C0"). This variant has not been reported in the literature in individuals affected with BPTF-related conditions. The frequency data for this variant in the population databases is considered unreliable, as metrics indicate insufficient coverage at this position in the gnomAD database. This sequence change replaces serine, which is neutral and polar, with isoleucine, which is neutral and non-polar, at codon 86 of the BPTF protein (p.Ser86Ile).